The following is an entry in ClinVar:

NM_005475.3(SH2B3):c.1348T>G (p.Cys450Gly)

Gene: SH2B3 (SH2B adaptor protein 3; plus strand). Cytogenetic location: 12q24.12.
Variant type: single nucleotide variant.
Coding change: c.1348T>G on transcript NM_005475.3 (MANE Select); coding-DNA position 1348, T replaced by G.
Protein change: p.Cys450Gly; replaces cysteine 450 with glycine.
Molecular consequence: missense variant.
Genome position (GRCh38, 1-based): chr12:111,447,767, T>G. VCF-style: chr12-111447767-T-G. GRCh37 (hg19) VCF-style: chr12-111885571-T-G.
Other names: c.742T>G, p.Cys248Gly (NM_001291424.1); short protein forms C248G, C450G.
Identifiers: ClinVar variation 4864382 (VCV004864382.1).

ClinVar aggregate classification (germline): Uncertain significance (1 of 4 stars; one submission).

Conditions:
Inborn genetic diseases. Identifiers: MedGen C0950123, MeSH D030342.

gnomAD v4.1: 1 of 1,613,960 alleles (0.000062%); no homozygotes.

Submission:

Ambry Genetics
Classification: Uncertain significance for Inborn genetic diseases. Last evaluated: 2026-03-17. Review status: criteria provided, single submitter. Criteria: Ambry Variant Classification Scheme 2023. Collection method: clinical testing. Allele origin: germline.
Comment: The p.C450G variant (also known as c.1348T>G), located in coding exon 6 of the SH2B3 gene, results from a T to G substitution at nucleotide position 1348. The cysteine at codon 450 is replaced by glycine, an amino acid with highly dissimilar properties. This amino acid position is conserved. In addition, the in silico prediction for this alteration is inconclusive. Based on the available evidence, the clinical significance of this variant remains unclear.